The following is an entry in ClinVar:

ClinVar aggregate classification (germline): Pathogenic (1 of 4 stars; one submission).

Conditions:
Deficiency of alpha-mannosidase (MANSA). Also called: LYSOSOMAL ALPHA-D-MANNOSIDASE DEFICIENCY; Alpha-Mannosidosis; Mannosidosis, alpha-, types I and II. Identifiers: Orphanet 61, MedGen C0024748, MONDO:0009561, OMIM 248500.

Submission:

Myriad Genetics, Inc.
Classification: Pathogenic for Deficiency of alpha-mannosidase. Last evaluated: 2025-03-30. Review status: criteria provided, single submitter. Criteria: Myriad Autosomal Dominant, Autosomal Recessive and X-Linked Classification Criteria (2023). Collection method: clinical testing. Allele origin: unknown.
Comment: NM_000528.3(MAN2B1):c.2524_2533del10(H842Cfs*79) is expected to be pathogenic in the context of alpha-mannosidosis. This variant is predicted to lead to an abnormal or absent protein product due to the creation of a premature termination codon in MAN2B1, a gene where loss-of-function variants are known to be pathogenic. Please note: this variant was assessed in the context of healthy population screening.

NM_000528.4(MAN2B1):c.2524_2533del (p.His842fs)

Gene: MAN2B1 (mannosidase alpha class 2B member 1; minus strand). Cytogenetic location: 19p13.13.
Variant type: Deletion.
Coding change: c.2524_2533del on transcript NM_000528.4 (MANE Select); coding-DNA positions 2524 to 2533, 10 bases deleted (CACCTGGTGC; older notation c.2524_2533delCACCTGGTGC).
Protein change: p.His842fs; shifts the reading frame from histidine 842.
Molecular consequence: frameshift variant.
Genome position (GRCh38, 1-based): chr19:12,648,306-12,648,315, GCACCAGGTG deleted on the plus strand (CACCTGGTGC on the coding strand, the reverse complement: MAN2B1 is on the minus strand); deleting any 10 consecutive bases within chr19:12,648,306-12,648,317 gives the same sequence; the c. name uses the placement nearest the transcript's 3' end. VCF-style (leftmost placement, unchanged base first): chr19-12648305-AGCACCAGGTG-A. GRCh37 (hg19) VCF-style: chr19-12759119-AGCACCAGGTG-A.
Other names: c.2521_2530del, p.His841fs (NM_001173498.2); c.2527_2536del, p.His843fs (NM_001440570.1); short protein forms H841fs, H842fs, H843fs.
Identifiers: ClinVar variation 5014282 (VCV005014282.1).